The following is an entry in ClinVar:

NM_000642.3(AGL):c.2227G>A (p.Val743Ile)

Gene: AGL (amylo-alpha-1,6-glucosidase and 4-alpha-glucanotransferase; plus strand). Cytogenetic location: 1p21.2.
Variant type: single nucleotide variant.
Coding change: c.2227G>A on transcript NM_000642.3 (MANE Select); coding-DNA position 2227, G replaced by A.
Protein change: p.Val743Ile; replaces valine 743 with isoleucine.
Molecular consequence: missense variant.
Genome position (GRCh38, 1-based): chr1:99,881,610, G>A. VCF-style: chr1-99881610-G-A. GRCh37 (hg19) VCF-style: chr1-100347166-G-A.
Other names: c.2227G>A, p.Val743Ile (NM_000028.3, NM_000643.3, NM_000644.3 and 2 more transcripts); c.2179G>A, p.Val727Ile (NM_000646.3); c.2026G>A, p.Val676Ile (NM_001425327.1); c.2023G>A, p.Val675Ile (NM_001425328.1, NM_001425329.1); c.1849G>A, p.Val617Ile (NM_001425332.1); short protein forms V617I, V675I, V676I, V727I, V743I.
Identifiers: ClinVar variation 4852809 (VCV004852809.1).
Genomic context (GRCh38, chr1:99,881,610, plus strand): 5'-GATCAAGTTGATGAAGACATAGTGGCAGTAACAAGACACTCACCTAGCATCCATCAGTCT[G>A]TTGTGGCTGTATCTAGAACTGCTTTCAGGAATCCCAAGACTTCATTTTACAGCAAGGAAG-3'
Protein context (NP_000633.2, residues 733-753): TRHSPSIHQS[Val743Ile]VAVSRTAFRN

ClinVar aggregate classification (germline): Uncertain significance (1 of 4 stars; one submission).

Conditions:
Glycogen storage disease type III (GSD3). Also called: FORBES DISEASE; Cori disease. Identifiers: Orphanet 366, MedGen C0017922, MONDO:0009291, OMIM 232400.

Submission:

Clinical Genomics Laboratory, Stanford Medicine
Classification: Uncertain significance for Glycogen storage disease type III. Last evaluated: 2022-12-05. Review status: criteria provided, single submitter. Criteria: ACMG Guidelines, 2015. Collection method: clinical testing. Allele origin: germline. Observed: 1 variant allele, 1 heterozygote.
Comment: The p.Val743Ile variant in the AGL gene has not been previously reported in association with disease. This variant was absent from large population databases, including the Genome Aggregation Database. Computational tools predict that this variant is neither deleterious nor benign; however, the accuracy of in silico algorithms is limited. These data were assessed using the ACMG/AMP variant interpretation guidelines. In summary, the significance of the p.Val743Ile variant is uncertain. Additional information is needed to resolve the significance of this variant. [ACMG evidence codes used: PM2]